The following is an entry in ClinVar:

ClinVar aggregate classification (germline): Uncertain significance. Review status: criteria provided, multiple submitters, no conflicts (2 of 4 stars). 4 submissions from 4 submitters: Uncertain significance (4). Last evaluated 2025-12-05.

Conditions:
Hereditary breast ovarian cancer syndrome. Also called: Hereditary breast and ovarian cancer; Hereditary breast and/or ovarian cancer syndrome; BRCA1- and BRCA2-Associated Hereditary Breast and Ovarian Cancer; Hereditary breast and ovarian cancer syndrome; Hereditary breast and ovarian cancer syndrome (HBOC); Breast and ovarian cancer. Identifiers: Orphanet 145, MedGen C0677776, MeSH D061325, MONDO:0003582. Disease mechanism: loss of function.
Hereditary cancer-predisposing syndrome. Also called: Tumor predisposition; Hereditary Cancer Syndrome; Hereditary neoplastic syndrome; Neoplastic Syndromes, Hereditary. Identifiers: Orphanet 140162, MedGen C0027672, MeSH D009386, MONDO:0015356.

Allele frequency attached by ClinVar (database versions not stated): gnomAD exomes below 0.00001.
gnomAD v4.1: 1 of 1,613,322 alleles (0.000062%); highest among the groups gnomAD compares: Non-Finnish European, 0.000085%; no homozygotes.

Submissions (4):

Labcorp Genetics (formerly Invitae), Labcorp
Classification: Uncertain significance for Hereditary breast ovarian cancer syndrome. Last evaluated: 2025-12-05. Review status: criteria provided, single submitter. Criteria: Invitae Variant Classification Sherloc (09022015). Collection method: clinical testing. Allele origin: germline.
Comment: This sequence change replaces serine, which is neutral and polar, with phenylalanine, which is neutral and non-polar, at codon 146 of the BRCA1 protein (p.Ser146Phe). This variant is not present in population databases (gnomAD no frequency). This variant has not been reported in the literature in individuals affected with BRCA1-related conditions. ClinVar contains an entry for this variant (Variation ID: 409358). Invitae Evidence Modeling of protein sequence and biophysical properties (such as structural, functional, and spatial information, amino acid conservation, physicochemical variation, residue mobility, and thermodynamic stability) indicates that this missense variant is not expected to disrupt BRCA1 protein function with a negative predictive value of 80%. In summary, the available evidence is currently insufficient to determine the role of this variant in disease. Therefore, it has been classified as a Variant of Uncertain Significance.

Color Diagnostics, LLC DBA Color Health
Classification: Uncertain significance for Hereditary cancer-predisposing syndrome. Last evaluated: 2025-07-08. Review status: criteria provided, single submitter. Criteria: ACMG Guidelines, 2015. Collection method: clinical testing. Allele origin: germline.
Comment: This missense variant replaces serine with phenylalanine at codon 146 of the BRCA1 protein. Computational prediction suggests that this variant may not impact protein structure and function. To our knowledge, functional studies have not been reported for this variant. This variant has been reported in an individual affected with breast cancer (PMID: 25186627). This variant has not been identified in the general population by the Genome Aggregation Database (gnomAD). The available evidence is insufficient to determine the role of this variant in disease conclusively. Therefore, this variant is classified as a Variant of Uncertain Significance.

GeneDx
Classification: Uncertain significance. Last evaluated: 2023-09-22. Review status: criteria provided, single submitter. Criteria: GeneDx Variant Classification Process June 2021. Collection method: clinical testing. Allele origin: germline. Affected: yes.
Comment: Observed in an individual with breast cancer (Tung et al., 2015); Not observed at significant frequency in large population cohorts (gnomAD); In silico analysis supports that this missense variant has a deleterious effect on protein structure/function; Also known as 556C>T; This variant is associated with the following publications: (PMID: 20215511, 25186627, 33148628)

Ambry Genetics
Classification: Uncertain significance for Hereditary cancer-predisposing syndrome. Last evaluated: 2022-12-19. Review status: criteria provided, single submitter. Criteria: Ambry Variant Classification Scheme 2023. Collection method: clinical testing. Allele origin: germline.
Comment: The p.S146F variant (also known as c.437C>T), located in coding exon 5 of the BRCA1 gene, results from a C to T substitution at nucleotide position 437. The serine at codon 146 is replaced by phenylalanine, an amino acid with highly dissimilar properties. This amino acid position is poorly conserved in available vertebrate species. In addition, the in silico prediction for this alteration is inconclusive. Since supporting evidence is limited at this time, the clinical significance of this alteration remains unclear.

Literature cited by the submitters: PubMed 25186627 (cited by Color Diagnostics, LLC DBA Color Health).

NM_007294.4(BRCA1):c.437C>T (p.Ser146Phe)

Gene: BRCA1 (BRCA1 DNA repair associated; minus strand). Cytogenetic location: 17q21.31.
Variant type: single nucleotide variant.
Coding change: c.437C>T on transcript NM_007294.4 (MANE Select); coding-DNA position 437, C replaced by T.
Protein change: p.Ser146Phe; replaces serine 146 with phenylalanine.
Molecular consequence: missense variant. On other transcripts: non-coding transcript variant (1).
Genome position (GRCh38, 1-based): chr17:43,104,126, G>A on the plus strand (C>T on the coding strand, the complement: BRCA1 is on the minus strand). VCF-style: chr17-43104126-G-A. GRCh37 (hg19) VCF-style: chr17-41256143-G-A.
Other names: c.437C>T, p.Ser146Phe (NM_001407665.1, NM_001407672.1, NM_001407673.1 and 165 more transcripts); c.227C>T, p.Ser76Phe (NM_001407954.1, NM_001408513.1, NM_001408514.1 and 58 more transcripts); c.296C>T, p.Ser99Phe (NM_007297.4, NM_001407692.1, NM_001407694.1 and 99 more transcripts); c.56C>T, p.Ser19Phe (NM_001407959.1, NM_001407960.1, NM_001407962.1 and 4 more transcripts); c.359C>T, p.Ser120Phe (NM_001407653.1, NM_001407654.1, NM_001407655.1 and 21 more transcripts); c.428C>T, p.Ser143Phe (NM_001408408.1, NM_001407646.1, NM_001407647.1); c.305C>T, p.Ser102Phe (NM_001408451.1); short protein forms S146F, S99F, S76F, S102F, S120F, S143F, S19F.
Identifiers: ClinVar variation 409358 (VCV000409358.15), dbSNP rs1060502358, ClinGen allele CA10601271.